The following is an entry in ClinVar:

ClinVar aggregate classification (germline): Conflicting classifications of pathogenicity. Review status: criteria provided, conflicting classifications (1 of 4 stars). 4 submissions from 4 submitters: Uncertain significance (2); Likely benign (2). Last evaluated 2025-09-26.

Conditions:
Atypical hemolytic-uremic syndrome. Identifiers: Orphanet 2134, MedGen C2931788, MONDO:0016244.
Age related macular degeneration 13. Identifiers: MedGen C3809523, MONDO:0014189, OMIM 615439.
Factor I deficiency (CFID). Also called: Complement factor I deficiency. Identifiers: Orphanet 200418, MedGen C3463916, MONDO:0012594, OMIM 610984.
Atypical hemolytic-uremic syndrome with I factor anomaly. Also called: HEMOLYTIC UREMIC SYNDROME, ATYPICAL, SUSCEPTIBILITY TO, 3; AHUS, SUSCEPTIBILITY TO, 3. Identifiers: Orphanet 2134, MedGen C2752039, MONDO:0013041, OMIM 612923.

Allele frequency attached by ClinVar (database versions not stated): gnomAD 0.00003.
gnomAD v4.1: 105 of 1,613,926 alleles (0.0065%); highest among the groups gnomAD compares: South Asian, 0.11%; 1 homozygote.

Submissions (4):

Genomenon, Inc
Classification: Likely benign for Atypical hemolytic-uremic syndrome. Last evaluated: 2025-09-26. Review status: criteria provided, single submitter. Criteria: Genomenon Sequence Variant Interpretation Standards - Updated. Collection method: curation. Allele origin: germline. Affected: yes.
Comment: CFI p.Gly269Ser (c.805G>A) is a missense variant that changes the amino acid at residue 269 from Glycine to Serine. This variant has been observed in at least one proband affected with atypical hemolytic-uremic syndrome (PMID:34169201;24853860;26880462;28939980;26613809;24656451). This variant’s allele frequency in gnomAD is greater than expected for this disorder. In conclusion, we classify CFI p.Gly269Ser (c.805G>A) as a likely benign variant.

Blueprint Genetics
Classification: Likely benign. Last evaluated: 2024-11-11. Review status: criteria provided, single submitter. Criteria: ACMG Guidelines, 2015. Collection method: clinical testing. Allele origin: germline.

Labcorp Genetics (formerly Invitae), Labcorp
Classification: Uncertain significance. Last evaluated: 2024-05-19. Review status: criteria provided, single submitter. Criteria: Invitae Variant Classification Sherloc (09022015). Collection method: clinical testing. Allele origin: germline.
Comment: This sequence change replaces glycine, which is neutral and non-polar, with serine, which is neutral and polar, at codon 269 of the CFI protein (p.Gly269Ser). This variant is present in population databases (rs772561998, gnomAD 0.1%), including at least one homozygous and/or hemizygous individual. This missense change has been observed in individual(s) with atypical hemolytic uremic syndrome (PMID: 28939980, 34169201). Advanced modeling of protein sequence and biophysical properties (such as structural, functional, and spatial information, amino acid conservation, physicochemical variation, residue mobility, and thermodynamic stability) has been performed at Invitae for this missense variant, however the output from this modeling did not meet the statistical confidence thresholds required to predict the impact of this variant on CFI protein function. In summary, the available evidence is currently insufficient to determine the role of this variant in disease. Therefore, it has been classified as a Variant of Uncertain Significance.

Fulgent Genetics
Classification: Uncertain significance for Factor I deficiency; Atypical hemolytic-uremic syndrome with I factor anomaly; Age related macular degeneration 13. Last evaluated: 2024-04-04. Review status: criteria provided, single submitter. Criteria: ACMG Guidelines, 2015. Collection method: clinical testing. Allele origin: germline.

Literature cited by the submitters: PubMed 34169201 (cited by Genomenon, Inc and Labcorp Genetics (formerly Invitae), Labcorp); 24853860 (cited by Genomenon, Inc); 26880462 (cited by Genomenon, Inc); 28939980 (cited by Genomenon, Inc); 26613809 (cited by Genomenon, Inc); 24656451 (cited by Genomenon, Inc); PubMed 28939980 (cited by Labcorp Genetics (formerly Invitae), Labcorp).

NM_000204.5(CFI):c.805G>A (p.Gly269Ser)

Gene: CFI (complement factor I; minus strand). Cytogenetic location: 4q25.
Variant type: single nucleotide variant.
Coding change: c.805G>A on transcript NM_000204.5 (MANE Select); coding-DNA position 805, G replaced by A.
Protein change: p.Gly269Ser; replaces glycine 269 with serine.
Molecular consequence: missense variant. On other transcripts: non-coding transcript variant (3).
Genome position (GRCh38, 1-based): chr4:109,760,348, C>T on the plus strand (G>A on the coding strand, the complement: CFI is on the minus strand). VCF-style: chr4-109760348-C-T. GRCh37 (hg19) VCF-style: chr4-110681504-C-T.
Other names: c.805G>A, p.Gly269Ser (NM_001318057.2, NM_001331035.2, NM_001375278.1 and 5 more transcripts); c.196G>A, p.Gly66Ser (NM_001375284.1); short protein forms G66S, G269S.
Identifiers: ClinVar variation 2734670 (VCV002734670.6), dbSNP rs772561998, ClinGen allele CA3042158.
Genomic context (GRCh38, chr4:109,760,348, plus strand): 5'-CTTCCCCTGTAATGCAGTCCACCTCACCATTGCATTGATACTGGCTTGGAATGCAAACAC[C>T]CGATTTGCAATGGAAGCCTTTGCCTTGGCATGCTGTGCAAACATAAGCAGGAGAGGTTTT-3'
Protein context (NP_000195.3, residues 259-279): CQGKGFHCKS[Gly269Ser]VCIPSQYQCN